The following is an entry in ClinVar:

NM_001042492.3(NF1):c.328del (p.Val110fs)

Gene: NF1 (neurofibromin 1; plus strand). Cytogenetic location: 17q11.2.
Variant type: Deletion.
Coding change: c.328del on transcript NM_001042492.3 (MANE Select); coding-DNA position 328, one base deleted (G; older notation c.328delG).
Protein change: p.Val110fs; shifts the reading frame from valine 110.
Molecular consequence: frameshift variant.
Genome position (GRCh38, 1-based): chr17:31,163,225, G deleted; the last of 2 consecutive G bases (chr17:31,163,224-31,163,225); deleting either gives the same sequence. VCF-style (leftmost placement, unchanged base first): chr17-31163223-TG-T. GRCh37 (hg19) VCF-style: chr17-29490241-TG-T.
Other names: c.328delG, p.Val110Serfs (NM_000267.4); c.328del, p.Val110fs (NM_001128147.3); c.328delG (NM_000267.3); short protein forms V110fs.
Identifiers: ClinVar variation 571592 (VCV000571592.6), dbSNP rs1567817865, ClinGen allele CA891843773.

ClinVar aggregate classification (germline): Pathogenic/Likely pathogenic. Review status: criteria provided, multiple submitters, no conflicts (2 of 4 stars). 2 submissions from 2 submitters: Pathogenic (1); Likely pathogenic (1). Last evaluated 2023-01-27.

Conditions:
Neurofibromatosis, type 1 (NF1). Also called: Neurofibromatosis, type I; Peripheral type neurofibromatosis; NEUROFIBROMATOSIS, TYPE I, SOMATIC; VON RECKLINGHAUSEN DISEASE. Identifiers: Orphanet 636, MedGen C0027831, MONDO:0018975, OMIM 162200. Disease mechanism: loss of function.
NF1-related disorder. Also called: NF1-related condition. Identifiers: MedGen CN379171.

Submissions (2):

Blueprint Genetics
Classification: Likely pathogenic for NF1-related disorders. Last evaluated: 2023-01-27. Review status: criteria provided, single submitter. Criteria: ACMG Guidelines, 2015. Collection method: clinical testing. Allele origin: germline. Affected: yes. Observed: 1 variant allele.

Labcorp Genetics (formerly Invitae), Labcorp
Classification: Pathogenic for Neurofibromatosis, type 1. Last evaluated: 2020-05-22. Review status: criteria provided, single submitter. Criteria: Invitae Variant Classification Sherloc (09022015). Collection method: clinical testing. Allele origin: germline.
Comment: This sequence change creates a premature translational stop signal (p.Val110Serfs*55) in the NF1 gene. It is expected to result in an absent or disrupted protein product. This variant is not present in population databases (ExAC no frequency). This variant has been reported in individuals in the Leiden Open-source Variation Database (PMID: 21520333). ClinVar contains an entry for this variant (Variation ID: 571592). Loss-of-function variants in NF1 are known to be pathogenic (PMID: 10712197, 23913538). For these reasons, this variant has been classified as Pathogenic.

Literature cited by the submitters: PubMed 21520333 (cited by Labcorp Genetics (formerly Invitae), Labcorp); PubMed 10712197 (cited by Labcorp Genetics (formerly Invitae), Labcorp); PubMed 23913538 (cited by Labcorp Genetics (formerly Invitae), Labcorp).